The following is an entry in ClinVar:

ClinVar aggregate classification (germline): Uncertain significance (1 of 4 stars; one submission).

Conditions:
Cornelia de Lange syndrome 4 (CDLS4). Also called: RAD21-Related Cornelia de Lange Syndrome; CORNELIA DE LANGE SYNDROME 4 WITH OR WITHOUT MIDLINE BRAIN DEFECTS. Identifiers: Orphanet 199, MedGen C3553517, MONDO:0013864, OMIM 614701.

Allele frequency attached by ClinVar (database versions not stated): ExAC 0.00008; gnomAD exomes 0.00008; gnomAD 0.00009; TOPMed 0.00014; ESP Exome Variant Server 0.00023; 1000 Genomes Project 0.00060; 1000 Genomes Project 30x 0.00062.
gnomAD v4.1: 136 of 1,608,958 alleles (0.0085%); highest among the groups gnomAD compares: African/African-American, 0.017%; no homozygotes.

Submission:

Labcorp Genetics (formerly Invitae), Labcorp
Classification: Uncertain significance for Cornelia de Lange syndrome 4. Last evaluated: 2025-12-01. Review status: criteria provided, single submitter. Criteria: Invitae Variant Classification Sherloc (09022015). Collection method: clinical testing. Allele origin: germline.
Comment: This sequence change replaces glutamic acid, which is acidic and polar, with aspartic acid, which is acidic and polar, at codon 534 of the RAD21 protein (p.Glu534Asp). This variant is present in population databases (rs148429527, gnomAD 0.03%). This variant has not been reported in the literature in individuals affected with RAD21-related conditions. ClinVar contains an entry for this variant (Variation ID: 2046760). Invitae Evidence Modeling of protein sequence and biophysical properties (such as structural, functional, and spatial information, amino acid conservation, physicochemical variation, residue mobility, and thermodynamic stability) indicates that this missense variant is not expected to disrupt RAD21 protein function with a negative predictive value of 95%. In summary, the available evidence is currently insufficient to determine the role of this variant in disease. Therefore, it has been classified as a Variant of Uncertain Significance.

NM_006265.3(RAD21):c.1602A>T (p.Glu534Asp)

Gene: RAD21 (RAD21 cohesin complex component; minus strand). Cytogenetic location: 8q24.11.
Variant type: single nucleotide variant.
Coding change: c.1602A>T on transcript NM_006265.3 (MANE Select); coding-DNA position 1602, A replaced by T.
Protein change: p.Glu534Asp; replaces glutamic acid 534 with aspartic acid.
Molecular consequence: missense variant.
Genome position (GRCh38, 1-based): chr8:116,850,636, T>A on the plus strand (A>T on the coding strand, the complement: RAD21 is on the minus strand). VCF-style: chr8-116850636-T-A. GRCh37 (hg19) VCF-style: chr8-117862875-T-A.
Other names: short protein forms E534D.
Identifiers: ClinVar variation 2046760 (VCV002046760.3), dbSNP rs148429527, ClinGen allele CA4852766.